The following is an entry in ClinVar:

ClinVar aggregate classification (germline): Benign/Likely benign (0 of 4 stars; one submission).

Submission:

ISCA site 4
Classification: Benign/Likely benign. Last evaluated: 2012-09-21. Review status: no assertion criteria provided. Collection method: clinical testing. Allele origin: unknown. Affected: yes. Observed: 3 variant alleles. Clinical features observed: Abnormality of vision (HP:0000504), Abnormality of the head (HP:0000234), Genu recurvatum (HP:0002816), Short stature (HP:0004322), Developmental delay AND/OR other significant developmental or morphological phenotypes, Defect in the atrial septum (HP:0001631), Bilateral sensorineural hearing impairment (HP:0008619).
Comment: Likely benign (2), Benign (1)

Copy number variation identified through the course of routine clinical cytogenomic testing in postnatal populations, with clinical assertions as classified by the original submitter.

GRCh38/hg38 2p11.2(chr2:87098204-87705910)x1

Genes: CYTOR (cytoskeleton regulator RNA; plus strand), LINC01943 (long intergenic non-protein coding RNA 1943; minus strand), MIR4435-1 (microRNA 4435-1; plus strand), MIR4771-1 (microRNA 4771-1; plus strand), NCAL1 (NK cell activity associated lncRNA 1; plus strand) and 1 more. Cytogenetic location: 2p11.2.
Variant type: copy number loss.
Change: copy number 1 (one copy instead of two) of chr2:87,098,204-87,705,910 (607.7 kb, GRCh38 coordinates, 1-based), cytogenetic band 2p11.2.
Identifiers: ClinVar variation 144698 (VCV000144698.2).